The following is an entry in ClinVar:

NM_002047.4(GARS1):c.1158C>T (p.Ser386=)

Gene: GARS1 (glycyl-tRNA synthetase 1; plus strand). Cytogenetic location: 7p14.3.
Variant type: single nucleotide variant.
Coding change: c.1158C>T on transcript NM_002047.4 (MANE Select); coding-DNA position 1158, C replaced by T.
Protein change: p.Ser386=; no amino-acid change (serine 386 retained).
Molecular consequence: synonymous variant.
Genome position (GRCh38, 1-based): chr7:30,616,022, C>T. VCF-style: chr7-30616022-C-T. GRCh37 (hg19) VCF-style: chr7-30655638-C-T.
Other names: c.996C>T, p.Ser332= (NM_001316772.1); c.1158C>T (NM_002047.3, LRG_243t1).
Identifiers: ClinVar variation 379179 (VCV000379179.26), dbSNP rs373576697, ClinGen allele CA4205901.

ClinVar aggregate classification (germline): Likely benign. Review status: criteria provided, multiple submitters, no conflicts (2 of 4 stars). 7 submissions from 7 submitters: Likely benign (7). Last evaluated 2025-10-07.

Conditions:
Charcot-Marie-Tooth disease. Also called: Charcot-Marie-Tooth Neuropathy; Charcot-Marie-Tooth Hereditary Neuropathy. Identifiers: Orphanet 166, MedGen C0007959, MONDO:0015626.
GARS1-related disorder. Also called: GARS1-related condition.
Charcot-Marie-Tooth disease type 2. Also called: Charcot-Marie-Tooth type 2. Identifiers: Orphanet 64746, MedGen C0270914, MONDO:0018993.

Allele frequency attached by ClinVar (database versions not stated): gnomAD 0.00004; ExAC 0.00007; gnomAD exomes 0.00008 and 0.00009; TOPMed 0.00008; ESP Exome Variant Server 0.00016.
gnomAD v4.1: 143 of 1,614,018 alleles (0.0089%); highest among the groups gnomAD compares: Middle Eastern, 0.16%; no homozygotes.

Submissions (7):

Labcorp Genetics (formerly Invitae), Labcorp
Classification: Likely benign for Charcot-Marie-Tooth disease type 2. Last evaluated: 2025-10-07. Review status: criteria provided, single submitter. Criteria: Invitae Variant Classification Sherloc (09022015). Collection method: clinical testing. Allele origin: germline.

CeGaT Center for Human Genetics Tuebingen
Classification: Likely benign. Last evaluated: 2025-10-01. Review status: criteria provided, single submitter. Criteria: CeGaT Center For Human Genetics Tuebingen Variant Classification Criteria Version 2. Collection method: clinical testing. Allele origin: germline. Affected: yes. Observed: 1 variant allele.
Comment: GARS1: BP4, BP7

PreventionGenetics, part of Exact Sciences
Classification: Likely benign for GARS1-related condition. Last evaluated: 2025-09-10. Review status: criteria provided, single submitter. Criteria: ACMG Guidelines, 2015. Collection method: clinical testing. Allele origin: germline.
Comment: This variant is classified as likely benign based on ACMG/AMP sequence variant interpretation guidelines (Richards et al. 2015 PMID: 25741868, with internal and published modifications).

Blueprint Genetics
Classification: Likely benign. Last evaluated: 2023-09-01. Review status: criteria provided, single submitter. Criteria: ACMG Guidelines, 2015. Collection method: clinical testing. Allele origin: germline.

Ambry Genetics
Classification: Likely benign. Last evaluated: 2019-07-11. Review status: criteria provided, single submitter. Criteria: Ambry Variant Classification Scheme 2023. Collection method: clinical testing. Allele origin: germline.

GeneDx
Classification: Likely benign. Last evaluated: 2019-01-29. Review status: criteria provided, single submitter. Criteria: GeneDx Variant Classification Process June 2021. Collection method: clinical testing. Allele origin: germline. Affected: yes.

Molecular Genetics Laboratory, London Health Sciences Centre
Classification: Likely benign for Charcot-Marie-Tooth disease. Review status: criteria provided, single submitter. Criteria: ACMG Guidelines, 2015. Collection method: clinical testing. Allele origin: germline. Affected: yes.